The following is an entry in ClinVar:

NM_015874.6(RBPJ):c.635-9_638del

Gene: RBPJ (recombination signal binding protein for immunoglobulin kappa J region; plus strand). Cytogenetic location: 4p15.2.
Variant type: Deletion.
Coding change: c.635-9_638del on transcript NM_015874.6 (MANE Select); 9 bases into the intron before coding-DNA position 635 through coding-DNA position 638, 13 bases deleted (CTACTGCAGTGGA).
Molecular consequence: splice acceptor variant.
Genome position (GRCh38, 1-based): chr4:26,424,622-26,424,634, CTACTGCAGTGGA deleted. VCF-style (leftmost placement, unchanged base first): chr4-26424621-CCTACTGCAGTGGA-C. GRCh37 (hg19) VCF-style: chr4-26426243-CCTACTGCAGTGGA-C.
Other names: c.632-9_635del (NM_001374402.1, NM_001374403.1, NM_001374401.1 and 3 more transcripts); c.569-9_572del (NM_203283.5, NM_001363577.2); c.629-9_632del (NM_001379409.1); c.674-9_677del (NM_001374400.1, NM_005349.4, NM_001379408.1); c.674-9_677delCTACTGCAGTGGA (NM_005349.3).
Identifiers: ClinVar variation 420934 (VCV000420934.4), dbSNP rs1064794801, ClinGen allele CA16618042.
Genomic context (GRCh38, chr4:26,424,621, plus strand): 5'-TTGTCATTTGCCTAATCATAAAATAAATTTAAAAAGATGACAATTTGATTTATTTTTCCA[CCTACTGCAGTGGA>C]TGATGATGAATCAGAAGGAGAAGAATTCACAGTCCGAGATGGCTACATCCATTATGGACA-3'

ClinVar aggregate classification (germline): Uncertain significance (1 of 4 stars; one submission).

Submission:

GeneDx
Classification: Uncertain significance. Last evaluated: 2023-08-23. Review status: criteria provided, single submitter. Criteria: GeneDx Variant Classification Process June 2021. Collection method: clinical testing. Allele origin: germline. Affected: yes.
Comment: Not observed at significant frequency in large population cohorts (gnomAD); Has not been previously published as pathogenic or benign to our knowledge; Canonical splice site variant in a gene for which loss-of-function is not an established mechanism of disease